The following is an entry in ClinVar:

ClinVar aggregate classification (germline): Likely pathogenic (0 of 4 stars; one submission).

Conditions:
HNSHA due to aldolase A deficiency (GSD12). Also called: GLYCOGEN STORAGE DISEASE XII; GSD XII; RED CELL ALDOLASE DEFICIENCY; Glycogen storage disease due to aldolase A deficiency. Identifiers: Orphanet 57, MedGen C0272066, MONDO:0012747, OMIM 611881.

Submission:

Solve-RD Consortium
Classification: Likely pathogenic for HNSHA due to aldolase A deficiency. Last evaluated: 2024-06-01. Review status: no assertion criteria provided. Collection method: provider interpretation. Allele origin: germline. Affected: yes.
Comment: This CNV was confirmed by the submitting clinician to impact a gene that corresponds with the phenotype of the affected individual, and thus deemed to be causative for their condition.

Literature cited by the submitters: PubMed 39825153.

GRCh37/hg19 16p11.2(chr16:29624260-29874118)x3

Genes: ALDOA (aldolase, fructose-bisphosphate A; plus strand), C16orf54 (chromosome 16 open reading frame 54; minus strand), CDIPT (CDP-diacylglycerol--inositol 3-phosphatidyltransferase; minus strand), KIF22 (kinesin family member 22; plus strand), MAZ (MYC associated zinc finger protein; plus strand) and 6 more. Cytogenetic location: 16p11.2.
Variant type: copy number gain.
Change: copy number 3 (three copies instead of two) of chr16:29,624,260-29,874,118 (249.9 kb, GRCh37 coordinates, 1-based), cytogenetic band 16p11.2.
Identifiers: ClinVar variation 3338430 (VCV003338430.1).